The following is an entry in ClinVar:

ClinVar aggregate classification (germline): Uncertain significance (1 of 4 stars; one submission).

Conditions:
Deficiency of 3-hydroxyacyl-CoA dehydrogenase. Also called: 3-hydroxyacyl-CoA dehydrogenase deficiency; HADH DEFICIENCY. Identifiers: Orphanet 309127, Orphanet 71212, MedGen C1291230, MONDO:0017715, OMIM 231530.

Allele frequency attached by ClinVar (database versions not stated): gnomAD exomes 0.00002; gnomAD 0.00003; ExAC 0.00007.
gnomAD v4.1: 41 of 1,613,626 alleles (0.0025%); highest among the groups gnomAD compares: South Asian, 0.043%; no homozygotes.

Submission:

Labcorp Genetics (formerly Invitae), Labcorp
Classification: Uncertain significance for Deficiency of 3-hydroxyacyl-CoA dehydrogenase. Last evaluated: 2022-01-19. Review status: criteria provided, single submitter. Criteria: Invitae Variant Classification Sherloc (09022015). Collection method: clinical testing. Allele origin: germline.
Comment: This sequence change replaces valine, which is neutral and non-polar, with alanine, which is neutral and non-polar, at codon 45 of the HADH protein (p.Val45Ala). This variant is present in population databases (rs774004490, gnomAD 0.05%). This variant has not been reported in the literature in individuals affected with HADH-related conditions. Algorithms developed to predict the effect of missense changes on protein structure and function (SIFT, PolyPhen-2, Align-GVGD) all suggest that this variant is likely to be disruptive. In summary, the available evidence is currently insufficient to determine the role of this variant in disease. Therefore, it has been classified as a Variant of Uncertain Significance.

NM_005327.7(HADH):c.134T>C (p.Val45Ala)

Gene: HADH (hydroxyacyl-CoA dehydrogenase; plus strand). Cytogenetic location: 4q25.
Variant type: single nucleotide variant.
Coding change: c.134T>C on transcript NM_005327.7 (MANE Select); coding-DNA position 134, T replaced by C.
Protein change: p.Val45Ala; replaces valine 45 with alanine.
Molecular consequence: missense variant.
Genome position (GRCh38, 1-based): chr4:108,009,760, T>C. VCF-style: chr4-108009760-T-C. GRCh37 (hg19) VCF-style: chr4-108930916-T-C.
Other names: c.134T>C, p.Val45Ala (NM_001184705.4); c.146T>C, p.Val49Ala (NM_001331027.2); short protein forms V45A, V49A.
Identifiers: ClinVar variation 2088066 (VCV002088066.1), dbSNP rs774004490, ClinGen allele CA3037376.
Genomic context (GRCh38, chr4:108,009,760, plus strand): 5'-TGCGCGTGCGTGTTATGTTTTCTTTCTTTTAAAAAGAAATTGTTCTTTTGTTGCTCTAGG[T>C]TGCTGCAGCAACTGGTCACACAGTAGTGTTGGTAGACCAGACAGAGGACATCCTGGCAAA-3'
Protein context (NP_005318.6, residues 35-55): GGLMGAGIAQ[Val45Ala]AAATGHTVVL